The following is an entry in ClinVar:

NM_000179.3(MSH6):c.2435T>G (p.Leu812Arg)

Gene: MSH6 (mutS homolog 6; plus strand). Cytogenetic location: 2p16.3.
Variant type: single nucleotide variant.
Coding change: c.2435T>G on transcript NM_000179.3 (MANE Select); coding-DNA position 2435, T replaced by G.
Protein change: p.Leu812Arg; replaces leucine 812 with arginine.
Molecular consequence: missense variant. On other transcripts: non-coding transcript variant (5), intron variant (3).
Genome position (GRCh38, 1-based): chr2:47,800,418, T>G. VCF-style: chr2-47800418-T-G. GRCh37 (hg19) VCF-style: chr2-48027557-T-G.
Other names: c.2138T>G, p.Leu713Arg (NM_001406801.1, NM_001406805.1, NM_001406818.1 and 10 more transcripts); c.2531T>G, p.Leu844Arg (NM_001406802.1, NM_001406795.1); c.2357T>G, p.Leu786Arg (NM_001406804.1); c.1910T>G, p.Leu637Arg (NM_001406806.1, NM_001406807.1, NM_001406799.1); c.2435T>G, p.Leu812Arg (NM_001406808.1, NM_001406809.1, NM_001406796.1 and 2 more transcripts); c.1529T>G, p.Leu510Arg (NM_001406811.1, NM_001406812.1, NM_001406814.1 and 6 more transcripts); c.2441T>G, p.Leu814Arg (NM_001406813.1); c.2267T>G, p.Leu756Arg (NM_001406826.1); and 4 more; short protein forms L510R, L713R, L637R, L682R, L786R, L844R, L814R, L756R.
Identifiers: ClinVar variation 2453188 (VCV002453188.2), dbSNP rs1572727192, ClinGen allele CA346754039.

ClinVar aggregate classification (germline): Uncertain significance (1 of 4 stars; one submission).

Conditions:
Hereditary cancer-predisposing syndrome. Also called: Neoplastic Syndromes, Hereditary; Tumor predisposition; Hereditary neoplastic syndrome; Hereditary Cancer Syndrome. Identifiers: Orphanet 140162, MedGen C0027672, MeSH D009386, MONDO:0015356.

Submission:

Ambry Genetics
Classification: Uncertain significance for Hereditary cancer-predisposing syndrome. Last evaluated: 2023-01-20. Review status: criteria provided, single submitter. Criteria: Ambry Variant Classification Scheme 2023. Collection method: clinical testing. Allele origin: germline.
Comment: The p.L812R variant (also known as c.2435T>G), located in coding exon 4 of the MSH6 gene, results from a T to G substitution at nucleotide position 2435. The leucine at codon 812 is replaced by arginine, an amino acid with dissimilar properties. This amino acid position is highly conserved in available vertebrate species. In addition, this alteration is predicted to be deleterious by in silico analysis. Since supporting evidence is limited at this time, the clinical significance of this alteration remains unclear.

Literature cited by the submitters: PubMed 30917047.